The following is an entry in ClinVar:

NM_001101648.2(NPC1L1):c.811G>T (p.Ala271Ser)

Gene: NPC1L1 (NPC1 like intracellular cholesterol transporter 1; minus strand). Cytogenetic location: 7p13.
Variant type: single nucleotide variant.
Coding change: c.811G>T on transcript NM_001101648.2 (MANE Select); coding-DNA position 811, G replaced by T.
Protein change: p.Ala271Ser; replaces alanine 271 with serine.
Molecular consequence: missense variant.
Genome position (GRCh38, 1-based): chr7:44,539,586, C>A on the plus strand (G>T on the coding strand, the complement: NPC1L1 is on the minus strand). VCF-style: chr7-44539586-C-A. GRCh37 (hg19) VCF-style: chr7-44579185-C-A.
Other names: c.811G>T, p.Ala271Ser (NM_001300967.2, NM_013389.3); short protein forms A271S.
Identifiers: ClinVar variation 2657434 (VCV002657434.24), dbSNP rs139533378, ClinGen allele CA4242356.
Genomic context (GRCh38, chr7:44,539,586, plus strand): 5'-GGATGATGATGAGGACCAGACTGCCCGGCATCTGGCCCAGGTAGAAGGTGGAGTCGAGGG[C>A]CTGGGGGCGGGCTATGGCAGGACAGGATGCAGCACAGTCTTGGCAGGAGCAGGTCGCCAC-3'
Protein context (NP_001095118.1, residues 261-281): ASCPAIARPQ[Ala271Ser]LDSTFYLGQM

ClinVar aggregate classification (germline): Likely benign (1 of 4 stars; one submission).

Allele frequency attached by ClinVar (database versions not stated): 1000 Genomes Project 30x 0.00250; 1000 Genomes Project 0.00300; TOPMed 0.00343; ESP Exome Variant Server 0.00538; gnomAD exomes 0.00570; gnomAD 0.00722; ExAC 0.00790.
gnomAD v4.1: 9,339 of 1,614,016 alleles (0.58%); highest among the groups gnomAD compares: Non-Finnish European, 0.56%; 129 homozygotes.

Submission:

CeGaT Center for Human Genetics Tuebingen
Classification: Likely benign. Last evaluated: 2023-01-01. Review status: criteria provided, single submitter. Criteria: CeGaT Center For Human Genetics Tuebingen Variant Classification Criteria Version 2. Collection method: clinical testing. Allele origin: germline. Affected: yes. Observed: 1 variant allele.
Comment: NPC1L1: BP4, BS2